The following is an entry in ClinVar:

ClinVar aggregate classification (germline): Uncertain significance (1 of 4 stars; one submission).

Conditions:
Long QT syndrome (LQTS). Identifiers: MedGen C0023976, MeSH D008133, MONDO:0002442. Disease mechanism: loss of function. Inheritance: Various modes of inheritance.

Submission:

Labcorp Genetics (formerly Invitae), Labcorp
Classification: Uncertain significance for Long QT syndrome. Last evaluated: 2022-06-15. Review status: criteria provided, single submitter. Criteria: Invitae Variant Classification Sherloc (09022015). Collection method: clinical testing. Allele origin: germline.
Comment: In summary, the available evidence is currently insufficient to determine the role of this variant in disease. Therefore, it has been classified as a Variant of Uncertain Significance. Algorithms developed to predict the effect of missense changes on protein structure and function are either unavailable or do not agree on the potential impact of this missense change (SIFT: "Deleterious"; PolyPhen-2: "Probably Damaging"; Align-GVGD: "Class C0"). This variant has not been reported in the literature in individuals affected with ANK2-related conditions. This variant is not present in population databases (gnomAD no frequency). This sequence change replaces serine, which is neutral and polar, with phenylalanine, which is neutral and non-polar, at codon 3851 of the ANK2 protein (p.Ser3851Phe).

NM_001148.6(ANK2):c.11552C>T (p.Ser3851Phe)

Gene: ANK2 (ankyrin 2; plus strand). Cytogenetic location: 4q26.
Variant type: single nucleotide variant.
Coding change: c.11552C>T on transcript NM_001148.6 (MANE Select); coding-DNA position 11552, C replaced by T.
Protein change: p.Ser3851Phe; replaces serine 3851 with phenylalanine.
Molecular consequence: missense variant.
Genome position (GRCh38, 1-based): chr4:113,369,747, C>T. VCF-style: chr4-113369747-C-T. GRCh37 (hg19) VCF-style: chr4-114290903-C-T.
Other names: c.5270C>T, p.Ser1757Phe (NM_001127493.3); c.5309C>T, p.Ser1770Phe (NM_001354225.2); c.5198C>T, p.Ser1733Phe (NM_001354228.2, NM_001354258.2); c.5276C>T, p.Ser1759Phe (NM_001354230.2); c.5339C>T, p.Ser1780Phe (NM_001354231.2, NM_001354242.2); c.5333C>T, p.Ser1778Phe (NM_001354232.2); c.5294C>T, p.Ser1765Phe (NM_001354235.2, NM_001354246.2, NM_001354265.2); c.5195C>T, p.Ser1732Phe (NM_001354236.2); and 35 more; short protein forms S1638F, S1666F, S1679F, S1704F, S1749F, S1761F, S1785F, S3773F.
Identifiers: ClinVar variation 2162996 (VCV002162996.4), dbSNP rs1564155066, ClinGen allele CA357942963.